The following is an entry in ClinVar:

ClinVar aggregate classification (germline): Benign. Review status: criteria provided, single submitter (1 of 4 stars). 2 submissions from 2 submitters: Benign (1). 1 of the submissions does not count toward it. Last evaluated 2026-09-01.

Conditions:
Tuberous sclerosis syndrome (TSC). Also called: Tuberous Sclerosis Complex; Tuberous sclerosis. Identifiers: Orphanet 805, MedGen C0041341, MONDO:0001734.

Allele frequency attached by ClinVar (database versions not stated): 1000 Genomes Project 0.00120; 1000 Genomes Project 30x 0.00125; TOPMed 0.00474; gnomAD 0.00482 and 0.00501.
gnomAD v4.1: 9,279 of 1,431,116 alleles (0.65%); highest among the groups gnomAD compares: Non-Finnish European, 0.82%; 49 homozygotes.

Submissions (2):

CeGaT Center for Human Genetics Tuebingen
Classification: Benign. Last evaluated: 2026-09-01. Review status: criteria provided, single submitter. Criteria: CeGaT Center For Human Genetics Tuebingen Variant Classification Criteria Version 2. Collection method: clinical testing. Allele origin: germline. Affected: yes. Observed: 35 variant alleles.
Comment: TSC2: BS1, BS2

Tuberous sclerosis database (TSC2)
No classification provided. Condition: TSC. Review status: no classification provided. Criteria: Tuberous Sclerosis Database Assertion Criteria 2015. Collection method: curation. Allele origin: germline. Affected: yes. Not counted in ClinVar's aggregate classification.

NM_000548.5(TSC2):c.648+117C>G

Gene: TSC2 (TSC complex subunit 2; plus strand). Cytogenetic location: 16p13.3.
Variant type: single nucleotide variant.
Coding change: c.648+117C>G on transcript NM_000548.5 (MANE Select); 117 bases into the intron after coding-DNA position 648, C replaced by G.
Molecular consequence: intron variant.
Genome position (GRCh38, 1-based): chr16:2,056,361, C>G. VCF-style: chr16-2056361-C-G. GRCh37 (hg19) VCF-style: chr16-2106362-C-G.
Other names: c.648+117C>G (NM_001114382.3, NM_021055.3, NM_001370405.1 and 3 more transcripts); c.537+117C>G (NM_001318827.2); c.48+117C>G (NM_001318831.2); c.501+117C>G (NM_001318829.2); c.681+117C>G (NM_001318832.2).
Identifiers: ClinVar variation 49884 (VCV000049884.9), dbSNP rs45460197, ClinGen allele CA022729.
Genomic context (GRCh38, chr16:2,056,361, plus strand): 5'-GGGCTTGGGGGTTGAGCCCTGTGTGCCACCTGCTGGCTGTGTAGCCCTGGGCAAGCTGCT[C>G]GGTCTCTCTGAGCCTCAGGAGTCCCCCATGTAAGTCAGGATAGCCGGGCGCCTCCATGTG-3'